The following is an entry in ClinVar:

NM_007272.3(CTRC):c.664T>C (p.Cys222Arg)

Gene: CTRC (chymotrypsin C; plus strand). Cytogenetic location: 1p36.21.
Variant type: single nucleotide variant.
Coding change: c.664T>C on transcript NM_007272.3 (MANE Select); coding-DNA position 664, T replaced by C.
Protein change: p.Cys222Arg; replaces cysteine 222 with arginine.
Molecular consequence: missense variant.
Genome position (GRCh38, 1-based): chr1:15,445,621, T>C. VCF-style: chr1-15445621-T-C. GRCh37 (hg19) VCF-style: chr1-15772116-T-C.
Other names: short protein forms C222R.
Identifiers: ClinVar variation 645636 (VCV000645636.6), dbSNP rs1570786538, ClinGen allele CA338567718.

ClinVar aggregate classification (germline): Uncertain significance (1 of 4 stars; one submission).

Conditions:
Hereditary pancreatitis (PCTT). Also called: PRSS1-Related Hereditary Pancreatitis; Hereditary chronic pancreatitis. Identifiers: Orphanet 676, MedGen C0238339, MONDO:0008185, OMIM 167800.

Submission:

Labcorp Genetics (formerly Invitae), Labcorp
Classification: Uncertain significance for Hereditary pancreatitis. Last evaluated: 2024-04-10. Review status: criteria provided, single submitter. Criteria: Invitae Variant Classification Sherloc (09022015). Collection method: clinical testing. Allele origin: germline.
Comment: This sequence change replaces cysteine, which is neutral and slightly polar, with arginine, which is basic and polar, at codon 222 of the CTRC protein (p.Cys222Arg). This variant is not present in population databases (gnomAD no frequency). This variant has not been reported in the literature in individuals affected with CTRC-related conditions. ClinVar contains an entry for this variant (Variation ID: 645636). Advanced modeling of protein sequence and biophysical properties (such as structural, functional, and spatial information, amino acid conservation, physicochemical variation, residue mobility, and thermodynamic stability) performed at Invitae indicates that this missense variant is expected to disrupt CTRC protein function with a positive predictive value of 80%. In summary, the available evidence is currently insufficient to determine the role of this variant in disease. Therefore, it has been classified as a Variant of Uncertain Significance.